The following is an entry in ClinVar:

NM_025081.3(NYNRIN):c.5306C>T (p.Thr1769Met)

Gene: NYNRIN (NYN domain and retroviral integrase containing; plus strand). Cytogenetic location: 14q12.
Variant type: single nucleotide variant.
Coding change: c.5306C>T on transcript NM_025081.3 (MANE Select); coding-DNA position 5306, C replaced by T.
Protein change: p.Thr1769Met; replaces threonine 1769 with methionine.
Molecular consequence: missense variant.
Genome position (GRCh38, 1-based): chr14:24,417,055, C>T. VCF-style: chr14-24417055-C-T. GRCh37 (hg19) VCF-style: chr14-24886261-C-T.
Other names: short protein forms T1769M.
Identifiers: ClinVar variation 2217235 (VCV002217235.6), dbSNP rs376323843, ClinGen allele CA7137592.
Genomic context (GRCh38, chr14:24,417,055, plus strand): 5'-GGGCCTCCTCCACTGATGCCACACCGTTCAAGGTCCTGACCGGGGGTGAGTCAAGGCTCA[C>T]GGAGCCCCTGTGGTGGGAGATGAGCAGCGCAAACATTGAAGGGCTCAAGATGGACGTCTT-3'
Protein context (NP_079357.2, residues 1759-1779): KVLTGGESRL[Thr1769Met]EPLWWEMSSA

ClinVar aggregate classification (germline): Uncertain significance. Review status: criteria provided, multiple submitters, no conflicts (2 of 4 stars). 3 submissions from 3 submitters: Uncertain significance (3). Last evaluated 2025-12-04.

Conditions:
Predisposition to Wilms tumor.

Allele frequency attached by ClinVar (database versions not stated): gnomAD 0.00006; 1000 Genomes Project 30x 0.00016; ESP Exome Variant Server 0.00008; 1000 Genomes Project 0.00020; ExAC 0.00005; TOPMed 0.00006; gnomAD exomes 0.00011.
gnomAD v4.1: 164 of 1,611,788 alleles (0.01%); highest among the groups gnomAD compares: Non-Finnish European, 0.013%; no homozygotes.

Submissions (3):

Ambry Genetics
Classification: Uncertain significance. Last evaluated: 2025-12-04. Review status: criteria provided, single submitter. Criteria: Ambry Variant Classification Scheme 2023. Collection method: clinical testing. Allele origin: germline.

Labcorp Genetics (formerly Invitae), Labcorp
Classification: Uncertain significance. Last evaluated: 2025-06-17. Review status: criteria provided, single submitter. Criteria: Invitae Variant Classification Sherloc (09022015). Collection method: clinical testing. Allele origin: germline.
Comment: This sequence change replaces threonine, which is neutral and polar, with methionine, which is neutral and non-polar, at codon 1769 of the NYNRIN protein (p.Thr1769Met). This variant is present in population databases (rs376323843, gnomAD 0.01%). This variant has not been reported in the literature in individuals affected with NYNRIN-related conditions. ClinVar contains an entry for this variant (Variation ID: 2217235). Experimental studies and prediction algorithms are not available or were not evaluated, and the functional significance of this variant is currently unknown. In summary, the available evidence is currently insufficient to determine the role of this variant in disease. Therefore, it has been classified as a Variant of Uncertain Significance.

St. Jude Molecular Pathology, St. Jude Children's Research Hospital
Classification: Uncertain significance for Predisposition to Wilms tumor. Last evaluated: 2024-07-17. Review status: criteria provided, single submitter. Criteria: St. Jude Assertion Criteria 2020. Collection method: clinical testing. Allele origin: germline.
Comment: The NYNRIN c.5306C>T (p.Thr1769Met) missense change has a maximum subpopulation frequency of 0.01% in gnomAD v2.1.1. The in silico tool REVEL predicts a benign effect on protein function, but this prediction has not been confirmed by functional studies. This variant has not been reported in individuals with Wilms tumor. In summary, the evidence currently available is insufficient to determine the clinical significance of this variant. It has therefore been classified as of uncertain significance.